The following is an entry in ClinVar:

ClinVar aggregate classification (germline): Uncertain significance (1 of 4 stars; one submission).

Allele frequency attached by ClinVar (database versions not stated): TOPMed 0.00003; gnomAD 0.00004 and 0.00007; 1000 Genomes Project 0.00020; 1000 Genomes Project 30x 0.00031.

Submission:

Labcorp Genetics (formerly Invitae), Labcorp
Classification: Uncertain significance. Last evaluated: 2025-12-01. Review status: criteria provided, single submitter. Criteria: Invitae Variant Classification Sherloc (09022015). Collection method: clinical testing. Allele origin: germline.
Comment: This sequence change replaces alanine, which is neutral and non-polar, with threonine, which is neutral and polar, at codon 263 of the VAV1 protein (p.Ala263Thr). This variant is present in population databases (rs537876361, gnomAD 0.09%), and has an allele count higher than expected for a pathogenic variant. This variant has not been reported in the literature in individuals affected with VAV1-related conditions. ClinVar contains an entry for this variant (Variation ID: 1471797). An algorithm developed to predict the effect of missense changes on protein structure and function (PolyPhen-2) suggests that this variant is likely to be tolerated. In summary, the available evidence is currently insufficient to determine the role of this variant in disease. Therefore, it has been classified as a Variant of Uncertain Significance.

NM_005428.4(VAV1):c.787G>A (p.Ala263Thr)

Gene: VAV1 (vav guanine nucleotide exchange factor 1; plus strand). Cytogenetic location: 19p13.3.
Variant type: single nucleotide variant.
Coding change: c.787G>A on transcript NM_005428.4 (MANE Select); coding-DNA position 787, G replaced by A.
Protein change: p.Ala263Thr; replaces alanine 263 with threonine.
Molecular consequence: missense variant.
Genome position (GRCh38, 1-based): chr19:6,825,366, G>A. VCF-style: chr19-6825366-G-A. GRCh37 (hg19) VCF-style: chr19-6825377-G-A.
Other names: c.787G>A, p.Ala263Thr (NM_001258206.2); c.691G>A, p.Ala231Thr (NM_001258207.2); short protein forms A231T, A263T.
Identifiers: ClinVar variation 1471797 (VCV001471797.8), dbSNP rs537876361, ClinGen allele CA9132349.
Genomic context (GRCh38, chr19:6,825,366, plus strand): 5'-CTGCTTCGTGTTCATACTCACTTCCTAAAGGAGATGAAGGAAGCCCTGGGCACCCCTGGC[G>A]CAGCCAATCTCTACCAGGTCTTCATCAAATACAAGGAGAGGTGAGACCCAGCTGGCCAGA-3'
Protein context (NP_005419.2, residues 253-273): EMKEALGTPG[Ala263Thr]ANLYQVFIKY